The following is an entry in ClinVar:

NM_015570.4(AUTS2):c.763A>G (p.Thr255Ala)

Gene: AUTS2 (activator of transcription and developmental regulator AUTS2; plus strand). Cytogenetic location: 7q11.22.
Variant type: single nucleotide variant.
Coding change: c.763A>G on transcript NM_015570.4 (MANE Select); coding-DNA position 763, A replaced by G.
Protein change: p.Thr255Ala; replaces threonine 255 with alanine.
Molecular consequence: missense variant.
Genome position (GRCh38, 1-based): chr7:70,762,890, A>G. VCF-style: chr7-70762890-A-G. GRCh37 (hg19) VCF-style: chr7-70227876-A-G.
Other names: c.763A>G, p.Thr255Ala (NM_001127231.3); short protein forms T255A.
Identifiers: ClinVar variation 4857642 (VCV004857642.1).
Genomic context (GRCh38, chr7:70,762,890, plus strand): 5'-GTCATTGCCTGTGGTTTTGTCTTTGCTCTCTCCCATGCAGATCCGGAGTTAGGTGTTGGC[A>G]CGCTACCAGAACATGACAGCCAGGATGCAGGGCCGATTGTCCCCAAGATATCGGGTCTAG-3'
Protein context (NP_056385.1, residues 245-265): VNKDPELGVG[Thr255Ala]LPEHDSQDAG

ClinVar aggregate classification (germline): Likely benign (1 of 4 stars; one submission).

Conditions:
Autism spectrum disorder due to AUTS2 deficiency (MRD26). Also called: INTELLECTUAL DEVELOPMENTAL DISORDER, AUTOSOMAL DOMINANT 26. Identifiers: Orphanet 352490, MedGen C4014435, MONDO:0014361, OMIM 615834.

Submission:

Centre for Medical Genetics,  Mumbai
Classification: Likely benign for Autism spectrum disorder due to AUTS2 deficiency. Last evaluated: 2026-04-20. Review status: criteria provided, single submitter. Criteria: ACMG Guidelines, 2015. Collection method: provider interpretation. Allele origin: germline. Inheritance: Autosomal dominant inheritance. Affected: no. Observed: 1 variant allele, 1 heterozygote.
Comment: The variant satisfies PM2 criteria - extremely low frequency in gnomAD population databases. The variant satisfies BP4 criteria - for a missense or a splice region variant, computational prediction tools unanimously support a benign effect on the gene. However, the variant satisfies BS2 criteria - present in heterozygous state in an individual that clinically does not have intellectual developmental disorder.

Literature cited by the submitters: PubMed 23332918.